The following is an entry in ClinVar:

ClinVar aggregate classification (germline): Benign (1 of 4 stars; one submission).

Conditions:
Pheochromocytoma/paraganglioma syndrome 3. Also called: GLOMUS TUMORS, FAMILIAL, 3; Paragangliomas 3; SDHC-Related Hereditary Paraganglioma-Pheochromocytoma Syndrome (Paragangliomas 3); SDHC-Related Hereditary Paraganglioma-Pheochromocytoma Syndrome. Identifiers: Orphanet 29072, MedGen C1854336, MONDO:0011544, OMIM 605373.

Submission:

Myriad Genetics, Inc.
Classification: Benign for Pheochromocytoma/paraganglioma syndrome 3. Last evaluated: 2025-03-14. Review status: criteria provided, single submitter. Criteria: Myriad Autosomal Dominant, Autosomal Recessive and X-Linked Classification Criteria (2023). Collection method: clinical testing. Allele origin: unknown.
Comment: This variant is considered benign. This variant is a silent/synonymous amino acid change and it is not expected to impact splicing.

NM_003001.5(SDHC):c.324G>A (p.Leu108=)

Gene: SDHC (succinate dehydrogenase complex subunit C; plus strand). Cytogenetic location: 1q23.3.
Variant type: single nucleotide variant.
Coding change: c.324G>A on transcript NM_003001.5 (MANE Select); coding-DNA position 324, G replaced by A.
Protein change: p.Leu108=; no amino-acid change (leucine 108 retained).
Molecular consequence: synonymous variant. On other transcripts: non-coding transcript variant (1), intron variant (3).
Genome position (GRCh38, 1-based): chr1:161,356,759, G>A. VCF-style: chr1-161356759-G-A. GRCh37 (hg19) VCF-style: chr1-161326549-G-A.
Other names: c.222G>A, p.Leu74= (NM_001035512.3); c.165G>A, p.Leu55= (NM_001035513.3); c.444G>A, p.Leu148= (NM_001407115.1); c.267G>A, p.Leu89= (NM_001407116.1); c.261G>A, p.Leu87= (NM_001407117.1); c.216G>A, p.Leu72= (NM_001407118.1); c.213G>A, p.Leu71= (NM_001407119.1, NM_001407120.1); c.242-5570G>A (NM_001035511.3); and 2 more.
Identifiers: ClinVar variation 3904482 (VCV003904482.1).